The following is an entry in ClinVar:

ClinVar aggregate classification (germline): Uncertain significance (1 of 4 stars; one submission).

Conditions:
Dilated cardiomyopathy 1O (CMD1O). Also called: CARDIOMYOPATHY, DILATED, WITH VENTRICULAR TACHYCARDIA. Identifiers: Orphanet 154, MedGen C1837839, MONDO:0012062, OMIM 608569.

Submission:

Labcorp Genetics (formerly Invitae), Labcorp
Classification: Uncertain significance for Dilated cardiomyopathy 1O. Last evaluated: 2022-09-23. Review status: criteria provided, single submitter. Criteria: Invitae Variant Classification Sherloc (09022015). Collection method: clinical testing. Allele origin: germline.
Comment: This sequence change replaces arginine, which is basic and polar, with threonine, which is neutral and polar, at codon 972 of the ABCC9 protein (p.Arg972Thr). This variant is not present in population databases (gnomAD no frequency). This variant has not been reported in the literature in individuals affected with ABCC9-related conditions. Advanced modeling of protein sequence and biophysical properties (such as structural, functional, and spatial information, amino acid conservation, physicochemical variation, residue mobility, and thermodynamic stability) has been performed at Invitae for this missense variant, however the output from this modeling did not meet the statistical confidence thresholds required to predict the impact of this variant on ABCC9 protein function. In summary, the available evidence is currently insufficient to determine the role of this variant in disease. Therefore, it has been classified as a Variant of Uncertain Significance.

NM_020297.4(ABCC9):c.2915G>C (p.Arg972Thr)

Gene: ABCC9 (ATP binding cassette subfamily C member 9; minus strand). Cytogenetic location: 12p12.1.
Variant type: single nucleotide variant.
Coding change: c.2915G>C on transcript NM_020297.4 (MANE Select); coding-DNA position 2915, G replaced by C.
Protein change: p.Arg972Thr; replaces arginine 972 with threonine.
Molecular consequence: missense variant.
Genome position (GRCh38, 1-based): chr12:21,845,784, C>G on the plus strand (G>C on the coding strand, the complement: ABCC9 is on the minus strand). VCF-style: chr12-21845784-C-G. GRCh37 (hg19) VCF-style: chr12-21998718-C-G.
Other names: c.2915G>C, p.Arg972Thr (NM_001377273.1, NM_005691.4); c.2048G>C, p.Arg683Thr (NM_001377274.1); short protein forms R683T, R972T.
Identifiers: ClinVar variation 1720098 (VCV001720098.5), dbSNP rs781525973, ClinGen allele CA384120490.